The following is an entry in ClinVar:

NM_000193.4(SHH):c.1015G>T (p.Glu339Ter)

Gene: SHH (sonic hedgehog signaling molecule; minus strand). Cytogenetic location: 7q36.3.
Variant type: single nucleotide variant.
Coding change: c.1015G>T on transcript NM_000193.4 (MANE Select); coding-DNA position 1015, G replaced by T.
Protein change: p.Glu339Ter; replaces glutamic acid 339 with a stop codon.
Molecular consequence: nonsense. On other transcripts: intron variant (1).
Genome position (GRCh38, 1-based): chr7:155,803,274, C>A on the plus strand (G>T on the coding strand, the complement: SHH is on the minus strand). VCF-style: chr7-155803274-C-A. GRCh37 (hg19) VCF-style: chr7-155595968-C-A.
Other names: c.301+3022G>T (NM_001310462.2); short protein forms E339*.
Identifiers: ClinVar variation 3775146 (VCV003775146.1).

ClinVar aggregate classification (germline): Pathogenic (1 of 4 stars; one submission).

Conditions:
Holoprosencephaly 3 (HPE3). Identifiers: Orphanet 2162, MedGen C1840529, MONDO:0007733, OMIM 142945.

Submission:

Laboratory of Molecular Genetics, CHU Rennes
Classification: Pathogenic for Holoprosencephaly 3. Last evaluated: 2025-02-27. Review status: criteria provided, single submitter. Criteria: ACMG Guidelines, 2015. Collection method: clinical testing. Allele origin: unknown. Inheritance: Autosomal dominant inheritance. Affected: yes.
Comment: The NM_000193.4:c.1015G>T, is a nonsense variant in SHH which is predicted to result in a premature stop codon at position 339, and likely results in an absent or disrupted protein product (PVS1). This variant This variant is not present in gnomAD (PM2). This variant is classified as pathogenic for holoprosencephaly (PVS1, PM2, PP4).